The following is an entry in ClinVar:

ClinVar aggregate classification (germline): Uncertain significance (1 of 4 stars; one submission).

Conditions:
Immunodeficiency. Identifiers: MedGen C0021051, MONDO:0021094, HP:0002721.

Allele frequency attached by ClinVar (database versions not stated): TOPMed 0.00004; ExAC 0.00001; gnomAD exomes 0.00001; gnomAD 0.00004.

Submission:

Labcorp Genetics (formerly Invitae), Labcorp
Classification: Uncertain significance for Immunodeficiency. Last evaluated: 2025-01-23. Review status: criteria provided, single submitter. Criteria: Invitae Variant Classification Sherloc (09022015). Collection method: clinical testing. Allele origin: germline.
Comment: This sequence change replaces methionine, which is neutral and non-polar, with isoleucine, which is neutral and non-polar, at codon 1040 of the NFAT5 protein (p.Met1040Ile). This variant is present in population databases (rs759325868, gnomAD 0.01%). This variant has not been reported in the literature in individuals affected with NFAT5-related conditions. ClinVar contains an entry for this variant (Variation ID: 2736220). An algorithm developed to predict the effect of missense changes on protein structure and function (PolyPhen-2) suggests that this variant is likely to be tolerated. In summary, the available evidence is currently insufficient to determine the role of this variant in disease. Therefore, it has been classified as a Variant of Uncertain Significance.

NM_138713.4(NFAT5):c.3402G>A (p.Met1134Ile)

Gene: NFAT5 (nuclear factor of activated T cells 5; plus strand). Cytogenetic location: 16q22.1.
Variant type: single nucleotide variant.
Coding change: c.3402G>A on transcript NM_138713.4 (MANE Select); coding-DNA position 3402, G replaced by A.
Protein change: p.Met1134Ile; replaces methionine 1134 with isoleucine.
Molecular consequence: missense variant.
Genome position (GRCh38, 1-based): chr16:69,693,227, G>A. VCF-style: chr16-69693227-G-A. GRCh37 (hg19) VCF-style: chr16-69727130-G-A.
Other names: c.3399G>A, p.Met1133Ile (NM_001113178.3); c.2727G>A, p.Met909Ile (NM_001367709.1); c.3348G>A, p.Met1116Ile (NM_006599.4); c.3120G>A, p.Met1040Ile (NM_138714.4, NM_173214.3, NM_173215.3); short protein forms M1040I, M1116I, M1134I, M1133I, M909I.
Identifiers: ClinVar variation 2736220 (VCV002736220.3), dbSNP rs759325868, ClinGen allele CA8135901.